The following is an entry in ClinVar:

NM_000617.3(SLC11A2):c.223G>A (p.Gly75Arg)

Gene: SLC11A2 (solute carrier family 11 member 2; minus strand). Cytogenetic location: 12q13.12.
Variant type: single nucleotide variant.
Coding change: c.223G>A on transcript NM_000617.3 (MANE Select); coding-DNA position 223, G replaced by A.
Protein change: p.Gly75Arg; replaces glycine 75 with arginine.
Molecular consequence: missense variant. On other transcripts: non-coding transcript variant (5).
Genome position (GRCh38, 1-based): chr12:51,005,397, C>T on the plus strand (G>A on the coding strand, the complement: SLC11A2 is on the minus strand). VCF-style: chr12-51005397-C-T. GRCh37 (hg19) VCF-style: chr12-51399180-C-T.
Other names: c.310G>A, p.Gly104Arg (NM_001174125.2, NM_001379446.1, NM_001379455.1); c.223G>A, p.Gly75Arg (NM_001174126.2, NM_001174127.2, NM_001174128.2 and 5 more transcripts); c.211G>A, p.Gly71Arg (NM_001174130.2, NM_001379448.1); c.112G>A, p.Gly38Arg (NM_001414747.1, NM_001414748.1); c.-15G>A (NM_001414749.1, NM_001414750.1); c.223G>A (NM_000617.2); short protein forms G104R, G71R, G75R, G38R.
Identifiers: ClinVar variation 800819 (VCV000800819.4), dbSNP rs1592380743, ClinGen allele CA384849314.

ClinVar aggregate classification (germline): Pathogenic. Review status: criteria provided, single submitter (1 of 4 stars). 3 submissions from 3 submitters: Pathogenic (1). 2 of the submissions do not count toward it. Last evaluated 2022-04-08.

Conditions:
Microcytic anemia with liver iron overload. Also called: Anemia, hypochromic microcytic, with iron overload 1. Identifiers: Orphanet 83642, MedGen C3806153, MONDO:0008787, OMIM 206100.
SLC11A2-related disorder. Also called: SLC11A2-related condition.

Allele frequency attached by ClinVar (database versions not stated): gnomAD exomes below 0.00001.
gnomAD v4.1: 4 of 1,613,892 alleles (0.00025%); highest among the groups gnomAD compares: Non-Finnish European, 0.00034%; no homozygotes.

Submissions (3):

BloodGenetics
Classification: Pathogenic for Microcytic anemia with liver iron overload. Last evaluated: 2022-04-08. Review status: criteria provided, single submitter. Criteria: ACMG Guidelines, 2015. Collection method: clinical testing. Allele origin: germline. Affected: yes.

PreventionGenetics, part of Exact Sciences
Classification: Pathogenic for SLC11A2-related condition. Last evaluated: 2023-10-21. Review status: no assertion criteria provided. Collection method: clinical testing. Allele origin: germline. Not counted in ClinVar's aggregate classification.
Comment: The SLC11A2 c.223G>A variant is predicted to result in the amino acid substitution p.Gly75Arg. This variant was reported in individuals with anaemia, hypochromic microcytic with or without iron overload (Blanco et al. 2009. PubMed ID: 19553145; Barrios et al. 2012. PubMed ID: 22313374; Romero-Cortadellas et al. 2022. PubMed ID: 35457224). This variant has not been reported in a large population database, indicating this variant is rare. In vitro experimental studies suggest this variant impacts protein function (Romero-Cortadellas et al. 2022. PubMed ID: 35457224). This variant is interpreted as pathogenic.

Biochemical Molecular Genetic Laboratory, King Abdulaziz Medical City
Classification: Likely pathogenic for Microcytic anemia with liver iron overload. Last evaluated: 2019-08-25. Review status: no assertion criteria provided. Collection method: clinical testing. Allele origin: germline. Affected: yes. Not counted in ClinVar's aggregate classification.

Literature cited by the submitters: PubMed 35457224 (cited by BloodGenetics).